The following is an entry in ClinVar:

NM_000548.5(TSC2):c.3324G>T (p.Ala1108=)

Gene: TSC2 (TSC complex subunit 2; plus strand). Cytogenetic location: 16p13.3.
Variant type: single nucleotide variant.
Coding change: c.3324G>T on transcript NM_000548.5 (MANE Select); coding-DNA position 3324, G replaced by T.
Protein change: p.Ala1108=; no amino-acid change (alanine 1108 retained).
Molecular consequence: synonymous variant.
Genome position (GRCh38, 1-based): chr16:2,079,596, G>T. VCF-style: chr16-2079596-G-T. GRCh37 (hg19) VCF-style: chr16-2129597-G-T.
Other names: c.3195G>T, p.Ala1065= (NM_021055.3, NM_001363528.2, NM_001370405.1); c.3192G>T, p.Ala1064= (NM_001077183.3, NM_001370404.1); c.3324G>T, p.Ala1108= (NM_001114382.3); c.3084G>T, p.Ala1028= (NM_001318827.2); c.3048G>T, p.Ala1016= (NM_001318829.2); c.2592G>T, p.Ala864= (NM_001318831.2); c.3225G>T, p.Ala1075= (NM_001318832.2).
Identifiers: ClinVar variation 702692 (VCV000702692.12), dbSNP rs786203392, ClinGen allele CA492955265.

ClinVar aggregate classification (germline): Benign/Likely benign. Review status: criteria provided, multiple submitters, no conflicts (2 of 4 stars). 3 submissions from 3 submitters: Benign (1); Likely benign (2). Last evaluated 2025-12-10.

Conditions:
Tuberous sclerosis syndrome (TSC). Also called: Tuberous Sclerosis Complex; Tuberous sclerosis. Identifiers: Orphanet 805, MedGen C0041341, MONDO:0001734.
Tuberous sclerosis 2 (TSC2). Identifiers: Orphanet 805, MedGen C1860707, MONDO:0013199, OMIM 613254.

Submissions (3):

Labcorp Genetics (formerly Invitae), Labcorp
Classification: Likely benign for Tuberous sclerosis 2. Last evaluated: 2025-12-10. Review status: criteria provided, single submitter. Criteria: Invitae Variant Classification Sherloc (09022015). Collection method: clinical testing. Allele origin: germline.

Myriad Genetics, Inc.
Classification: Benign for Tuberous sclerosis 2. Last evaluated: 2025-05-28. Review status: criteria provided, single submitter. Criteria: Myriad Autosomal Dominant, Autosomal Recessive and X-Linked Classification Criteria (2023). Collection method: clinical testing. Allele origin: unknown.
Comment: This variant is considered benign. This variant is a silent/synonymous amino acid change and it is not expected to impact splicing.

All of Us Research Program, National Institutes of Health
Classification: Likely benign for Tuberous sclerosis syndrome. Last evaluated: 2023-10-27. Review status: criteria provided, single submitter. Criteria: ACMG Guidelines, 2015. Collection method: clinical testing. Allele origin: germline. Inheritance: Autosomal dominant inheritance. Observed: 1 variant allele, 1 heterozygote.
Comment: This study involves interpretation of variants in research participants for the purpose of population health screening. Participant phenotype was not available at the time of variant classification. Additional details can be found in publication PMID: 35346344, PMCID: PMC8962531